The following is an entry in ClinVar:

NM_001182.4(ALDH7A1):c.-478T>A

Gene: ALDH7A1 (aldehyde dehydrogenase 7 family member A1; minus strand). Cytogenetic location: 5q23.2.
Variant type: single nucleotide variant.
Coding change: c.-478T>A on transcript NM_001182.4; 478 bases upstream of the start codon, T replaced by A.
Genome position (GRCh38, 1-based): chr5:126,595,676, A>T on the plus strand (T>A on the coding strand, the complement: ALDH7A1 is on the minus strand). VCF-style: chr5-126595676-A-T. GRCh37 (hg19) VCF-style: chr5-125931368-A-T.
Identifiers: ClinVar variation 672774 (VCV000672774.3), dbSNP rs3736172, ClinGen allele CA126928305.

ClinVar aggregate classification (germline): Benign (1 of 4 stars; one submission).

Allele frequency attached by ClinVar (database versions not stated): gnomAD 0.09960 and 0.10630; 1000 Genomes Project 0.16534; TOPMed 0.11136; 1000 Genomes Project 30x 0.16162.

Submission:

GeneDx
Classification: Benign. Last evaluated: 2018-06-14. Review status: criteria provided, single submitter. Criteria: GeneDx Variant Classification (06012015). Collection method: clinical testing. Allele origin: germline. Affected: yes.
Comment: This variant is considered likely benign or benign based on one or more of the following criteria: it is a conservative change, it occurs at a poorly conserved position in the protein, it is predicted to be benign by multiple in silico algorithms, and/or has population frequency not consistent with disease.